The following is an entry in ClinVar:

NM_000080.4(CHRNE):c.599C>G (p.Thr200Ser)

Genes: C17orf107 (chromosome 17 open reading frame 107; plus strand), CHRNE (cholinergic receptor nicotinic epsilon subunit; minus strand). Cytogenetic location: 17p13.2.
Variant type: single nucleotide variant.
Coding change: c.599C>G on transcript NM_000080.4 (MANE Select); coding-DNA position 599, C replaced by G.
Protein change: p.Thr200Ser; replaces threonine 200 with serine.
Molecular consequence: missense variant. On other transcripts: 3 prime UTR variant (1).
Genome position (GRCh38, 1-based): chr17:4,901,527, G>C on the plus strand (C>G on the coding strand, the complement: CHRNE is on the minus strand). VCF-style: chr17-4901527-G-C. GRCh37 (hg19) VCF-style: chr17-4804822-G-C.
Other names: c.*994G>C (NM_001145536.2); short protein forms T200S.
Identifiers: ClinVar variation 835374 (VCV000835374.9), dbSNP rs1969983733, ClinGen allele CA397305753.

ClinVar aggregate classification (germline): Uncertain significance (1 of 4 stars; one submission).

Conditions:
Congenital myasthenic syndrome 4A. Also called: CONGENITAL MYASTHENIC SYNDROME TYPE Ia1; MYASTHENIC SYNDROME, CONGENITAL, 4A, SLOW-CHANNEL, AUTOSOMAL RECESSIVE; Myasthenic syndrome, congenital, 4a, slow-channel. Identifiers: Orphanet 590, MedGen C4225413, MONDO:0011600, OMIM 605809.

Submission:

Labcorp Genetics (formerly Invitae), Labcorp
Classification: Uncertain significance for Congenital myasthenic syndrome 4A. Last evaluated: 2022-09-13. Review status: criteria provided, single submitter. Criteria: Invitae Variant Classification Sherloc (09022015). Collection method: clinical testing. Allele origin: germline.
Comment: In summary, the available evidence is currently insufficient to determine the role of this variant in disease. Therefore, it has been classified as a Variant of Uncertain Significance. Advanced modeling of protein sequence and biophysical properties (such as structural, functional, and spatial information, amino acid conservation, physicochemical variation, residue mobility, and thermodynamic stability) has been performed at Invitae for this missense variant, however the output from this modeling did not meet the statistical confidence thresholds required to predict the impact of this variant on CHRNE protein function. This variant has not been reported in the literature in individuals affected with CHRNE-related conditions. This variant is not present in population databases (gnomAD no frequency). This sequence change replaces threonine, which is neutral and polar, with serine, which is neutral and polar, at codon 200 of the CHRNE protein (p.Thr200Ser).